The following is an entry in ClinVar:

ClinVar aggregate classification (germline): Uncertain significance (1 of 4 stars; one submission).

Conditions:
Atypical hemolytic-uremic syndrome. Identifiers: Orphanet 2134, MedGen C2931788, MONDO:0016244.

Submission:

Genomenon, Inc
Classification: Uncertain significance for Atypical hemolytic-uremic syndrome. Last evaluated: 2025-10-02. Review status: criteria provided, single submitter. Criteria: Genomenon Sequence Variant Interpretation Standards. Collection method: curation. Allele origin: germline. Affected: no.
Comment: CD46 p.Glu136Ala (c.407A>C) is a missense variant that changes the amino acid at residue 136 from Glutamic acid to Alanine. This variant has been reported in the published literature (PMID:16014961;26357573;10960475;11093164). It is absent or not present at a significant frequency in gnomAD. In silico models agree that this variant is not damaging. In conclusion, we classify CD46 p.Glu136Ala (c.407A>C) as a variant of uncertain significance.

Literature cited by the submitters: PubMed 16014961; PubMed 26357573; PubMed 10960475; PubMed 11093164.

NM_172351.3(CD46):c.407A>C (p.Glu136Ala)

Gene: CD46 (CD46 molecule; plus strand). Cytogenetic location: 1q32.2.
Variant type: single nucleotide variant.
Coding change: c.407A>C on transcript NM_172351.3 (MANE Select); coding-DNA position 407, A replaced by C.
Protein change: p.Glu136Ala; replaces glutamic acid 136 with alanine.
Molecular consequence: missense variant.
Genome position (GRCh38, 1-based): chr1:207,759,656, A>C. VCF-style: chr1-207759656-A-C. GRCh37 (hg19) VCF-style: chr1-207933001-A-C.
Other names: c.407A>C, p.Glu136Ala (NM_002389.4, NM_153826.4, NM_172350.3 and 8 more transcripts); short protein forms E136A.
Identifiers: ClinVar variation 4291269 (VCV004291269.1).